The following is an entry in ClinVar:

ClinVar aggregate classification (germline): Uncertain significance (1 of 4 stars; one submission).

gnomAD v4.1: 29 of 1,613,954 alleles (0.0018%); highest among the groups gnomAD compares: Non-Finnish European, 0.0025%; no homozygotes.

Submission:

Labcorp Genetics (formerly Invitae), Labcorp
Classification: Uncertain significance. Last evaluated: 2025-06-22. Review status: criteria provided, single submitter. Criteria: Invitae Variant Classification Sherloc (09022015). Collection method: clinical testing. Allele origin: germline.
Comment: This sequence change replaces proline, which is neutral and non-polar, with alanine, which is neutral and non-polar, at codon 1127 of the KMT2A protein (p.Pro1127Ala). This variant is present in population databases (no rsID available, gnomAD 0.002%). This variant has not been reported in the literature in individuals affected with KMT2A-related conditions. Invitae Evidence Modeling of protein sequence and biophysical properties (such as structural, functional, and spatial information, amino acid conservation, physicochemical variation, residue mobility, and thermodynamic stability) has been performed for this missense variant. However, the output from this modeling did not meet the statistical confidence thresholds required to predict the impact of this variant on KMT2A protein function. In summary, the available evidence is currently insufficient to determine the role of this variant in disease. Therefore, it has been classified as a Variant of Uncertain Significance.

NM_001197104.2(KMT2A):c.3379C>G (p.Pro1127Ala)

Gene: KMT2A (lysine methyltransferase 2A; plus strand). Cytogenetic location: 11q23.3.
Variant type: single nucleotide variant.
Coding change: c.3379C>G on transcript NM_001197104.2 (MANE Select); coding-DNA position 3379, C replaced by G.
Protein change: p.Pro1127Ala; replaces proline 1127 with alanine.
Molecular consequence: missense variant.
Genome position (GRCh38, 1-based): chr11:118,478,011, C>G. VCF-style: chr11-118478011-C-G. GRCh37 (hg19) VCF-style: chr11-118348726-C-G.
Other names: c.3478C>G, p.Pro1160Ala (NM_001412597.1); c.3379C>G, p.Pro1127Ala (NM_005933.4); short protein forms P1160A, P1127A.
Identifiers: ClinVar variation 4701755 (VCV004701755.1).
Genomic context (GRCh38, chr11:118,478,011, plus strand): 5'-CACATTTCTTTAACAGACAAGTCATCAATTGCTGGCTCAGAAGATGCTGAACCTCTTGCT[C>G]CACCCATCAAACCAATTAAACCTGTCACTAGAAACAAGGCACCCCAGGAACCTCCAGTAA-3'
Protein context (NP_001184033.1, residues 1117-1137): AGSEDAEPLA[Pro1127Ala]PIKPIKPVTR